The following is an entry in ClinVar:

ClinVar aggregate classification (germline): Uncertain significance (1 of 4 stars; one submission).

Conditions:
Combined immunodeficiency due to STK4 deficiency (IMD110). Also called: STK4 DEFICIENCY; MST1 DEFICIENCY; T-cell immunodeficiency, recurrent infections, and autoimmunity with or without cardiac malformations. Identifiers: Orphanet 314689, MedGen C3553943, MONDO:0013934, OMIM 614868.

Submission:

Labcorp Genetics (formerly Invitae), Labcorp
Classification: Uncertain significance for Combined immunodeficiency due to STK4 deficiency. Last evaluated: 2021-07-18. Review status: criteria provided, single submitter. Criteria: Invitae Variant Classification Sherloc (09022015). Collection method: clinical testing. Allele origin: germline.
Comment: This variant has not been reported in the literature in individuals affected with STK4-related conditions. Advanced modeling of protein sequence and biophysical properties (such as structural, functional, and spatial information, amino acid conservation, physicochemical variation, residue mobility, and thermodynamic stability) performed at Invitae indicates that this missense variant is not expected to disrupt STK4 protein function. In summary, the available evidence is currently insufficient to determine the role of this variant in disease. Therefore, it has been classified as a Variant of Uncertain Significance. This variant is not present in population databases (ExAC no frequency). This sequence change replaces aspartic acid with histidine at codon 432 of the STK4 protein (p.Asp432His). The aspartic acid residue is highly conserved and there is a moderate physicochemical difference between aspartic acid and histidine.

NM_006282.5(STK4):c.1294G>C (p.Asp432His)

Gene: STK4 (serine/threonine kinase 4; plus strand). Cytogenetic location: 20q13.12.
Variant type: single nucleotide variant.
Coding change: c.1294G>C on transcript NM_006282.5 (MANE Select); coding-DNA position 1294, G replaced by C.
Protein change: p.Asp432His; replaces aspartic acid 432 with histidine.
Molecular consequence: missense variant.
Genome position (GRCh38, 1-based): chr20:45,025,119, G>C. VCF-style: chr20-45025119-G-C. GRCh37 (hg19) VCF-style: chr20-43653760-G-C.
Other names: c.1294G>C, p.Asp432His (NM_001352385.2); short protein forms D432H.
Identifiers: ClinVar variation 1368428 (VCV001368428.8), dbSNP rs2145383165, ClinGen allele CA409130316.